The following is an entry in ClinVar:

NM_015158.5(KANK1):c.3477C>G (p.Asp1159Glu)

Genes: KANK1 (KN motif and ankyrin repeat domains 1; plus strand), LOC126860554 (MED14-independent group 3 enhancer GRCh37_chr9:737889-739088; plus strand). Cytogenetic location: 9p24.3.
Variant type: single nucleotide variant.
Coding change: c.3477C>G on transcript NM_015158.5 (MANE Select); coding-DNA position 3477, C replaced by G.
Protein change: p.Asp1159Glu; replaces aspartic acid 1159 with glutamic acid.
Molecular consequence: missense variant. On other transcripts: non-coding transcript variant (1).
Genome position (GRCh38, 1-based): chr9:738,428, C>G. VCF-style: chr9-738428-C-G. GRCh37 (hg19) VCF-style: chr9-738428-C-G.
Other names: c.2709C>G, p.Asp903Glu (NM_001354336.2); c.3003C>G, p.Asp1001Glu (NM_001354337.2, NM_001354341.2, NM_001354333.2 and 2 more transcripts); c.2949C>G, p.Asp983Glu (NM_001354338.2, NM_001354340.2, NM_001354344.2); c.2763C>G, p.Asp921Glu (NM_001354339.2, NM_001354342.2, NM_001354343.2); c.3477C>G, p.Asp1159Glu (NM_001256876.3, NM_001256877.3, NM_001354334.2); c.3237C>G, p.Asp1079Glu (NM_001354331.2); c.3423C>G, p.Asp1141Glu (NM_001354332.2); short protein forms D921E, D1159E, D1079E, D903E, D1001E, D1141E, D983E.
Identifiers: ClinVar variation 1956814 (VCV001956814.5), dbSNP rs114580973, ClinGen allele CA4960973.
Genomic context (GRCh38, chr9:738,428, plus strand): 5'-CATAGCTGCTTTTGAGGCCATTTCCCCAGATGTCCTCCGCTATGTCATCAACTTGGCAGA[C>G]GGCAACGGCAACACAGCCCTCCATTACAGCGTGTCCCACTCCAACTTCGAGATTGTGAAG-3'
Protein context (NP_055973.2, residues 1149-1169): DVLRYVINLA[Asp1159Glu]GNGNTALHYS

ClinVar aggregate classification (germline): Uncertain significance (1 of 4 stars; one submission).

Allele frequency attached by ClinVar (database versions not stated): 1000 Genomes Project 30x 0.00031.
gnomAD v4.1: 13 of 1,614,042 alleles (0.00081%); highest among the groups gnomAD compares: African/African-American, 0.017%; no homozygotes.

Submission:

Labcorp Genetics (formerly Invitae), Labcorp
Classification: Uncertain significance. Last evaluated: 2022-08-09. Review status: criteria provided, single submitter. Criteria: Invitae Variant Classification Sherloc (09022015). Collection method: clinical testing. Allele origin: germline.
Comment: In summary, the available evidence is currently insufficient to determine the role of this variant in disease. Therefore, it has been classified as a Variant of Uncertain Significance. Algorithms developed to predict the effect of missense changes on protein structure and function (SIFT, PolyPhen-2, Align-GVGD) all suggest that this variant is likely to be disruptive. This variant has not been reported in the literature in individuals affected with KANK1-related conditions. This variant is present in population databases (rs114580973, gnomAD 0.02%). This sequence change replaces aspartic acid, which is acidic and polar, with glutamic acid, which is acidic and polar, at codon 1159 of the KANK1 protein (p.Asp1159Glu).